The following is an entry in ClinVar:

NM_057175.5(NAA15):c.1642C>T (p.Leu548Phe)

Gene: NAA15 (N-alpha-acetyltransferase 15, NatA auxiliary subunit; plus strand). Cytogenetic location: 4q31.1.
Variant type: single nucleotide variant.
Coding change: c.1642C>T on transcript NM_057175.5 (MANE Select); coding-DNA position 1642, C replaced by T.
Protein change: p.Leu548Phe; replaces leucine 548 with phenylalanine.
Molecular consequence: missense variant.
Genome position (GRCh38, 1-based): chr4:139,361,826, C>T. VCF-style: chr4-139361826-C-T. GRCh37 (hg19) VCF-style: chr4-140282980-C-T.
Other names: short protein forms L548F.
Identifiers: ClinVar variation 1690429 (VCV001690429.2), dbSNP rs2110959835, ClinGen allele CA358268392.
Genomic context (GRCh38, chr4:139,361,826, plus strand): 5'-TACTGTATGAGGAAGATTACCCTTAGATCATATGTGGACTTATTAAAACTAGAAGATGTA[C>T]TTCGACAGCATCCATTTTACTTCAAGGCAGCAAGAATTGCTATAGAGATCTATTTGAAGC-3'
Protein context (NP_476516.1, residues 538-558): YVDLLKLEDV[Leu548Phe]RQHPFYFKAA

ClinVar aggregate classification (germline): Uncertain significance (1 of 4 stars; one submission).

Submission:

Laboratorio de Genetica e Diagnostico Molecular, Hospital Israelita Albert Einstein
Classification: Uncertain significance. Last evaluated: 2021-08-31. Review status: criteria provided, single submitter. Criteria: ACMG Guidelines, 2015. Collection method: clinical testing. Allele origin: germline. Affected: yes.
Comment: ACMG classification criteria: PM2, PP2, BP4